The following is an entry in ClinVar:

NM_000135.4(FANCA):c.1582A>G (p.Met528Val)

Gene: FANCA (FA complementation group A; minus strand). Cytogenetic location: 16q24.3.
Variant type: single nucleotide variant.
Coding change: c.1582A>G on transcript NM_000135.4 (MANE Select); coding-DNA position 1582, A replaced by G.
Protein change: p.Met528Val; replaces methionine 528 with valine.
Molecular consequence: missense variant.
Genome position (GRCh38, 1-based): chr16:89,782,903, T>C on the plus strand (A>G on the coding strand, the complement: FANCA is on the minus strand). VCF-style: chr16-89782903-T-C. GRCh37 (hg19) VCF-style: chr16-89849311-T-C.
Other names: c.1582A>G, p.Met528Val (NM_001286167.3); short protein forms M528V.
Identifiers: ClinVar variation 3848141 (VCV003848141.1).

ClinVar aggregate classification (germline): Uncertain significance (1 of 4 stars; one submission).

Conditions:
Inborn genetic diseases. Identifiers: MedGen C0950123, MeSH D030342.

Submission:

Ambry Genetics
Classification: Uncertain significance for Inborn genetic diseases. Last evaluated: 2025-01-23. Review status: criteria provided, single submitter. Criteria: Ambry Variant Classification Scheme 2023. Collection method: clinical testing. Allele origin: germline.
Comment: The p.M528V variant (also known as c.1582A>G), located in coding exon 17 of the FANCA gene, results from an A to G substitution at nucleotide position 1582. The methionine at codon 528 is replaced by valine, an amino acid with highly similar properties. This amino acid position is conserved. In addition, this alteration is predicted to be tolerated by in silico analysis. Based on the available evidence, the clinical significance of this variant remains unclear.